The following is an entry in ClinVar:

ClinVar aggregate classification (germline): Uncertain significance (1 of 4 stars; one submission).

Conditions:
Lethal multiple pterygium syndrome (LMPS). Identifiers: Orphanet 33108, MedGen C1854678, MONDO:0009668, OMIM 253290.

Submission:

Labcorp Genetics (formerly Invitae), Labcorp
Classification: Uncertain significance for Lethal multiple pterygium syndrome. Last evaluated: 2023-10-05. Review status: criteria provided, single submitter. Criteria: Invitae Variant Classification Sherloc (09022015). Collection method: clinical testing. Allele origin: germline.
Comment: This variant, c.784_786del, results in the deletion of 1 amino acid(s) of the CHRND protein (p.Phe262del), but otherwise preserves the integrity of the reading frame. This variant is not present in population databases (gnomAD no frequency). This variant has not been reported in the literature in individuals affected with CHRND-related conditions. Experimental studies and prediction algorithms are not available or were not evaluated, and the functional significance of this variant is currently unknown. In summary, the available evidence is currently insufficient to determine the role of this variant in disease. Therefore, it has been classified as a Variant of Uncertain Significance.

NM_000751.3(CHRND):c.784_786del (p.Phe262del)

Gene: CHRND (cholinergic receptor nicotinic delta subunit; plus strand). Cytogenetic location: 2q37.1.
Variant type: Deletion.
Coding change: c.784_786del on transcript NM_000751.3 (MANE Select); coding-DNA positions 784 to 786, 3 bases deleted (TTC; older notation c.784_786delTTC).
Protein change: p.Phe262del; deletes phenylalanine 262.
Molecular consequence: inframe deletion. On other transcripts: intron variant (1).
Genome position (GRCh38, 1-based): chr2:232,530,103-232,530,105, TTC deleted; deleting any 3 consecutive bases within chr2:232,530,102-232,530,105 gives the same sequence; the c. name uses the placement nearest the transcript's 3' end. VCF-style (leftmost placement, unchanged base first): chr2-232530101-CCTT-C. GRCh37 (hg19) VCF-style: chr2-233394811-CCTT-C.
Other names: c.739_741del, p.Phe247del (NM_001256657.2); c.481_483del, p.Phe161del (NM_001311196.2); c.239-1249_239-1247del (NM_001311195.2); short protein forms F262del, F161del, F247del.
Identifiers: ClinVar variation 2766033 (VCV002766033.3), dbSNP rs2469723900, ClinGen allele CA2663621652.